The following is an entry in ClinVar:

NM_004484.4(GPC3):c.1239C>A (p.Ser413Arg)

Gene: GPC3 (glypican 3; minus strand). Cytogenetic location: Xq26.2.
Variant type: single nucleotide variant.
Coding change: c.1239C>A on transcript NM_004484.4 (MANE Select); coding-DNA position 1239, C replaced by A.
Protein change: p.Ser413Arg; replaces serine 413 with arginine.
Molecular consequence: missense variant.
Genome position (GRCh38, 1-based): chrX:133,692,422, G>T on the plus strand (C>A on the coding strand, the complement: GPC3 is on the minus strand). VCF-style: chrX-133692422-G-T. GRCh37 (hg19) VCF-style: chrX-132826450-G-T.
Other names: c.1308C>A, p.Ser436Arg (NM_001164617.2); c.1191C>A, p.Ser397Arg (NM_001164618.2); c.1077C>A, p.Ser359Arg (NM_001164619.2); short protein forms S413R, S359R, S436R, S397R.
Identifiers: ClinVar variation 2773131 (VCV002773131.3), dbSNP rs2124430790, ClinGen allele CA414705501.

ClinVar aggregate classification (germline): Uncertain significance (1 of 4 stars; one submission).

Conditions:
Wilms tumor 1 (WT1). Also called: Wilms tumor, somatic. Identifiers: Orphanet 654, MedGen CN033288, MONDO:0008679, OMIM 194070.

Submission:

Labcorp Genetics (formerly Invitae), Labcorp
Classification: Uncertain significance for Wilms tumor 1. Last evaluated: 2024-06-17. Review status: criteria provided, single submitter. Criteria: Invitae Variant Classification Sherloc (09022015). Collection method: clinical testing. Allele origin: germline.
Comment: This sequence change replaces serine, which is neutral and polar, with arginine, which is basic and polar, at codon 413 of the GPC3 protein (p.Ser413Arg). This variant is not present in population databases (gnomAD no frequency). This variant has not been reported in the literature in individuals affected with GPC3-related conditions. Advanced modeling of protein sequence and biophysical properties (such as structural, functional, and spatial information, amino acid conservation, physicochemical variation, residue mobility, and thermodynamic stability) performed at Invitae indicates that this missense variant is not expected to disrupt GPC3 protein function with a negative predictive value of 80%. In summary, the available evidence is currently insufficient to determine the role of this variant in disease. Therefore, it has been classified as a Variant of Uncertain Significance.